The following is an entry in ClinVar:

GRCh38/hg38 7q36.1(chr7:150319864-152674271)x1

Genes: ABCB8 (ATP binding cassette subfamily B member 8; plus strand), ABCF2 (ATP binding cassette subfamily F member 2; minus strand), ABCF2-H2BK1 (ABCF2-H2BK1 readthrough; minus strand), ACTR3C (actin related protein 3C; minus strand), AGAP3 (ArfGAP with GTPase domain, ankyrin repeat and PH domain 3; plus strand) and 188 more. Cytogenetic location: 7q36.1.
Variant type: copy number loss.
Change: copy number 1 (one copy instead of two) of chr7:150,319,864-152,674,271 (2.35 Mb, GRCh38 coordinates, 1-based), cytogenetic band 7q36.1.
Identifiers: ClinVar variation 57001 (VCV000057001.1).

ClinVar aggregate classification (germline): Pathogenic (1 of 4 stars; one submission).

Submission:

ISCA site 4
Classification: Pathogenic. Last evaluated: 2011-08-12. Review status: criteria provided, single submitter. Criteria: Kaminsky et al. (Genet Med. 2011). Collection method: clinical testing. Allele origin: unknown. Affected: yes. Observed: 1 variant allele.
Comment: Copy number variation identified through the course of routine clinical cytogenomic testing in postnatal populations. Clinical assertions have been curated as described in Kaminsky et al. 2011.